The following is an entry in ClinVar:

ClinVar aggregate classification (germline): Pathogenic/Likely pathogenic. Review status: criteria provided, multiple submitters, no conflicts (2 of 4 stars). 2 submissions from 2 submitters: Pathogenic (1); Likely pathogenic (1). Last evaluated 2024-07-30.

Conditions:
Hereditary leiomyomatosis and renal cell cancer. Also called: LEIOMYOMA, MULTIPLE CUTANEOUS; MULTIPLE CUTANEOUS AND UTERINE LEIOMYOMATA 1, WITH OR WITHOUT RENAL CELL CARCINOMA; Reed syndrome; Multiple cutaneous and uterine leiomyomatosis; Cutaneous leiomyomata with uterine leiomyomata; Leiomyoma, hereditary multiple, of skin. Identifiers: Orphanet 523, MedGen C1708350, MONDO:0007888, OMIM 150800, HP:0007437. Disease mechanism: loss of function.

Submissions (2):

Myriad Genetics, Inc.
Classification: Likely pathogenic for Hereditary leiomyomatosis and renal cell cancer. Last evaluated: 2024-07-30. Review status: criteria provided, single submitter. Criteria: Myriad Autosomal Dominant, Autosomal Recessive and X-Linked Classification Criteria (2023). Collection method: clinical testing. Allele origin: unknown.
Comment: This variant is considered likely pathogenic. This variant occurs within a consensus splice junction and is predicted to result in abnormal mRNA splicing of either an out-of-frame exon or an in-frame exon necessary for protein stability and/or normal function.

Labcorp Genetics (formerly Invitae), Labcorp
Classification: Pathogenic. Last evaluated: 2022-10-03. Review status: criteria provided, single submitter. Criteria: Invitae Variant Classification Sherloc (09022015). Collection method: clinical testing. Allele origin: germline.
Comment: For these reasons, this variant has been classified as Pathogenic. Variants that disrupt the consensus splice site are a relatively common cause of aberrant splicing (PMID: 17576681, 9536098). Algorithms developed to predict the effect of sequence changes on RNA splicing suggest that this variant may disrupt the consensus splice site. ClinVar contains an entry for this variant (Variation ID: 405909). Disruption of this splice site has been observed in individuals with clinical features of hereditary leiomyomatosis and renal cell cancer (PMID: 28266706, 28300276; Invitae). This variant is not present in population databases (gnomAD no frequency). This sequence change affects an acceptor splice site in intron 9 of the FH gene. While this variant is not anticipated to result in nonsense mediated decay, it likely alters RNA splicing and results in a disrupted protein product.

Literature cited by the submitters: PubMed 17576681 (cited by Labcorp Genetics (formerly Invitae), Labcorp); PubMed 9536098 (cited by Labcorp Genetics (formerly Invitae), Labcorp); PubMed 28266706 (cited by Labcorp Genetics (formerly Invitae), Labcorp); PubMed 28300276 (cited by Labcorp Genetics (formerly Invitae), Labcorp).

NM_000143.4(FH):c.1391-1G>A

Gene: FH (fumarate hydratase; minus strand). Cytogenetic location: 1q43.
Variant type: single nucleotide variant.
Coding change: c.1391-1G>A on transcript NM_000143.4 (MANE Select); the canonical splice acceptor site of the intron before coding-DNA position 1391, G replaced by A.
Molecular consequence: splice acceptor variant.
Genome position (GRCh38, 1-based): chr1:241,497,971, C>T on the plus strand (G>A on the coding strand, the complement: FH is on the minus strand). VCF-style: chr1-241497971-C-T. GRCh37 (hg19) VCF-style: chr1-241661271-C-T.
Identifiers: ClinVar variation 405909 (VCV000405909.12), dbSNP rs863223978, ClinGen allele CA16610035.